The following is an entry in ClinVar:

NM_001110556.2(FLNA):c.1045G>A (p.Glu349Lys)

Gene: FLNA (filamin A; minus strand). Cytogenetic location: Xq28.
Variant type: single nucleotide variant.
Coding change: c.1045G>A on transcript NM_001110556.2 (MANE Select); coding-DNA position 1045, G replaced by A.
Protein change: p.Glu349Lys; replaces glutamic acid 349 with lysine.
Molecular consequence: missense variant.
Genome position (GRCh38, 1-based): chrX:154,366,582, C>T on the plus strand (G>A on the coding strand, the complement: FLNA is on the minus strand). VCF-style: chrX-154366582-C-T. GRCh37 (hg19) VCF-style: chrX-153594950-C-T.
Other names: c.1045G>A, p.Glu349Lys (NM_001456.4); short protein forms E349K.
Identifiers: ClinVar variation 761194 (VCV000761194.11), dbSNP rs370490152, ClinGen allele CA10561291.

ClinVar aggregate classification (germline): Conflicting classifications of pathogenicity. Review status: criteria provided, conflicting classifications (1 of 4 stars). 3 submissions from 3 submitters: Uncertain significance (2); Likely benign (1). Last evaluated 2026-01-18.

Conditions:
Heterotopia, periventricular, X-linked dominant (PVNH1). Also called: PERIVENTRICULAR NODULAR HETEROTOPIA 1; X-linked periventricular heterotopia; PERIVENTRICULAR NODULAR HETEROTOPIA 4; HETEROTOPIA, PERIVENTRICULAR, 1. Identifiers: Orphanet 2149, Orphanet 82004, MedGen C1848213, MONDO:0010233, OMIM 300049.
Oto-palato-digital syndrome, type II (OPD2). Also called: OPD II SYNDROME; FACIOPALATOOSSEOUS SYNDROME; Otopalatodigital Syndrome Type 2 (FLNA-OPD2); Otopalatodigital Syndrome, Type II. Identifiers: Orphanet 669, Orphanet 90652, MedGen C1844696, MONDO:0010571, OMIM 304120.
Melnick-Needles syndrome (MNS). Also called: MELNICK-NEEDLES OSTEODYSPLASTY; OSTEODYSPLASTY OF MELNICK AND NEEDLES; Melnick-Needles Syndrome (FLNA-MNS). Identifiers: Orphanet 2484, MedGen C0025237, MONDO:0010650, OMIM 309350.
Frontometaphyseal dysplasia (FMD1). Identifiers: Orphanet 1826, MedGen C0265293, MONDO:0015942.
Familial thoracic aortic aneurysm and aortic dissection (TAAD). Also called: Thoracic aortic aneurysms and dissections. Identifiers: Orphanet 91387, MedGen C4707243, MONDO:0019625.

Allele frequency attached by ClinVar (database versions not stated): gnomAD exomes 0.00001 and 0.00003; ExAC 0.00003; ESP Exome Variant Server 0.00020; TOPMed below 0.00001; gnomAD 0.00001.
gnomAD v4.1: 11 of 1,210,666 alleles (0.00091%); highest among the groups gnomAD compares: East Asian, 0.0089%; no homozygotes.

Submissions (3):

Labcorp Genetics (formerly Invitae), Labcorp
Classification: Likely benign for Oto-palato-digital syndrome, type II; Heterotopia, periventricular, X-linked dominant; Frontometaphyseal dysplasia; Melnick-Needles syndrome. Last evaluated: 2026-01-18. Review status: criteria provided, single submitter. Criteria: Invitae Variant Classification Sherloc (09022015). Collection method: clinical testing. Allele origin: germline.

GeneDx
Classification: Uncertain significance. Last evaluated: 2024-08-04. Review status: criteria provided, single submitter. Criteria: GeneDx Variant Classification Process June 2021. Collection method: clinical testing. Allele origin: germline. Affected: yes.
Comment: Reported previously as a likely pathogenic variant in patients with left ventricular noncompaction (LVNC); however, no further clinical or segregation information was provided (PMID: 28798025); In silico analysis supports that this missense variant has a deleterious effect on protein structure/function; This variant is associated with the following publications: (PMID: 28798025)

Ambry Genetics
Classification: Uncertain significance for Familial thoracic aortic aneurysm and aortic dissection. Last evaluated: 2020-02-18. Review status: criteria provided, single submitter. Criteria: Ambry Variant Classification Scheme 2023. Collection method: clinical testing. Allele origin: germline.
Comment: The p.E349K variant (also known as c.1045G>A), located in coding exon 6 of the FLNA gene, results from a G to A substitution at nucleotide position 1045. The glutamic acid at codon 349 is replaced by lysine, an amino acid with similar properties. This alteration has been reported in a left ventricular non-compaction (LVNC) cohort (Miszalski-Jamka K et al. Circ Cardiovasc Genet, 2017 Aug;10:). This amino acid position is not well conserved in available vertebrate species, and lysine is the reference amino acid in other vertebrate species. In addition, this alteration is predicted to be tolerated by in silico analysis. Since supporting evidence is limited at this time, the clinical significance of this alteration remains unclear.

Literature cited by the submitters: PubMed 28798025 (cited by Ambry Genetics).